The following is an entry in ClinVar:

NM_006363.6(SEC23B):c.742G>A (p.Glu248Lys)

Gene: SEC23B (SEC23 homolog B, COPII component; plus strand). Cytogenetic location: 20p11.23.
Variant type: single nucleotide variant.
Coding change: c.742G>A on transcript NM_006363.6 (MANE Select); coding-DNA position 742, G replaced by A.
Protein change: p.Glu248Lys; replaces glutamic acid 248 with lysine.
Molecular consequence: missense variant.
Genome position (GRCh38, 1-based): chr20:18,525,840, G>A. VCF-style: chr20-18525840-G-A. GRCh37 (hg19) VCF-style: chr20-18506484-G-A.
Other names: c.742G>A, p.Glu248Lys (NM_001172745.3, NM_032985.6, NM_032986.5); c.688G>A, p.Glu230Lys (NM_001172746.3); short protein forms E248K, E230K.
Identifiers: ClinVar variation 95390 (VCV000095390.10), dbSNP rs398124227, ClinGen allele CA222944.
Genomic context (GRCh38, chr20:18,525,840, plus strand): 5'-TCTTGCAGATTTCTGCAGCCTGTTCACAAGATTGATATGAACCTCACTGATCTTCTTGGG[G>A]AGCTACAGAGGGACCCATGGCCAGTAACTCAGGGGAAGAGACCTTTGCGATCCACTGGTG-3'
Protein context (NP_006354.2, residues 238-258): IDMNLTDLLG[Glu248Lys]LQRDPWPVTQ

ClinVar aggregate classification (germline): Conflicting classifications of pathogenicity. Review status: criteria provided, conflicting classifications (1 of 4 stars). 3 submissions from 3 submitters: Likely pathogenic (1); Uncertain significance (2). Last evaluated 2024-07-05.

Allele frequency attached by ClinVar (database versions not stated): TOPMed 0.00001; gnomAD 0.00001.
gnomAD v4.1: 3 of 1,614,052 alleles (0.00019%); highest among the groups gnomAD compares: Non-Finnish European, 0.00017%; no homozygotes.

Submissions (3):

Women's Health and Genetics/Laboratory Corporation of America, LabCorp
Classification: Uncertain significance. Last evaluated: 2024-07-05. Review status: criteria provided, single submitter. Criteria: LabCorp Variant Classification Summary - May 2015. Collection method: clinical testing. Allele origin: germline.
Comment: Variant summary: SEC23B c.742G>A (p.Glu248Lys) results in a conservative amino acid change located in the Sec23/Sec24, trunk domain (IPR006896) of the encoded protein sequence. Three of five in-silico tools predict a damaging effect of the variant on protein function. The variant was absent in 251454 control chromosomes. The available data on variant occurrences in the general population are insufficient to allow any conclusion about variant significance. c.742G>A has been reported in the literature as a compound heterozygous genotype in at-least one individual affected with Congenital dyserythropoietic anemia, type II (example, Jones_2013 overlapping with Song_2014). These data do not allow any conclusion about variant significance. To our knowledge, no experimental evidence demonstrating an impact on protein function has been reported. The following publications have been ascertained in the context of this evaluation (PMID: 23806237, 24801741). ClinVar contains an entry for this variant (Variation ID: 95390). Based on the evidence outlined above, the variant was classified as uncertain significance.

Revvity Omics, Revvity
Classification: Uncertain significance. Last evaluated: 2021-05-05. Review status: criteria provided, single submitter. Criteria: ACMG Guidelines, 2015. Collection method: clinical testing. Allele origin: germline.

Eurofins Ntd Llc (ga)
Classification: Likely pathogenic. Last evaluated: 2014-02-27. Review status: criteria provided, single submitter. Criteria: EGL Classification Definitions 2015. Collection method: clinical testing. Allele origin: germline. Observed: 2 variant alleles, 2 heterozygotes.

Literature cited by the submitters: PubMed 23806237 (cited by Women's Health and Genetics/Laboratory Corporation of America, LabCorp); PubMed 24801741 (cited by Women's Health and Genetics/Laboratory Corporation of America, LabCorp).